The following is an entry in ClinVar:

NM_001367624.2(ZNF469):c.6298G>T (p.Gly2100Trp)

Gene: ZNF469 (zinc finger protein 469; plus strand). Cytogenetic location: 16q24.2.
Variant type: single nucleotide variant.
Coding change: c.6298G>T on transcript NM_001367624.2 (MANE Select); coding-DNA position 6298, G replaced by T.
Protein change: p.Gly2100Trp; replaces glycine 2100 with tryptophan.
Molecular consequence: missense variant.
Genome position (GRCh38, 1-based): chr16:88,433,768, G>T. VCF-style: chr16-88433768-G-T. GRCh37 (hg19) VCF-style: chr16-88500176-G-T.
Other names: short protein forms G2100W.
Identifiers: ClinVar variation 1943475 (VCV001943475.3), dbSNP rs2507593041, ClinGen allele CA397105242.
Genomic context (GRCh38, chr16:88,433,768, plus strand): 5'-GAGGGCCGGACTCCAGAGAGGGCGTCCAGCCCCGGCCTGAACAAGCCACTGCTGGCCACA[G>T]GGGATAGCCCAGCACCCTCTGTCGGGGACCTGGCCGCCTGCGCCCCCTCACCCACTTCAG-3'
Protein context (NP_001354553.1, residues 2090-2110): PGLNKPLLAT[Gly2100Trp]DSPAPSVGDL

ClinVar aggregate classification (germline): Uncertain significance (1 of 4 stars; one submission).

Allele frequency attached by ClinVar (database versions not stated): gnomAD exomes below 0.00001.
gnomAD v4.1: 4 of 1,549,508 alleles (0.00026%); highest among the groups gnomAD compares: Non-Finnish European, 0.00035%; no homozygotes.

Submission:

Labcorp Genetics (formerly Invitae), Labcorp
Classification: Uncertain significance. Last evaluated: 2025-02-10. Review status: criteria provided, single submitter. Criteria: Invitae Variant Classification Sherloc (09022015). Collection method: clinical testing. Allele origin: germline.
Comment: This sequence change replaces glycine, which is neutral and non-polar, with tryptophan, which is neutral and slightly polar, at codon 2072 of the ZNF469 protein (p.Gly2072Trp). This variant is not present in population databases (gnomAD no frequency). This variant has not been reported in the literature in individuals affected with ZNF469-related conditions. ClinVar contains an entry for this variant (Variation ID: 1943475). An algorithm developed to predict the effect of missense changes on protein structure and function (PolyPhen-2) suggests that this variant is likely to be disruptive. In summary, the available evidence is currently insufficient to determine the role of this variant in disease. Therefore, it has been classified as a Variant of Uncertain Significance.